The following is an entry in ClinVar:

ClinVar aggregate classification (germline): Uncertain significance (1 of 4 stars; one submission).

Conditions:
Hypertrophic cardiomyopathy. Also called: HYPERTROPHIC MYOCARDIOPATHY. Identifiers: Orphanet 217569, MedGen C0007194, MeSH D002312, MONDO:0005045, HP:0001639.

Submission:

Labcorp Genetics (formerly Invitae), Labcorp
Classification: Uncertain significance for Hypertrophic cardiomyopathy. Last evaluated: 2024-11-15. Review status: criteria provided, single submitter. Criteria: Invitae Variant Classification Sherloc (09022015). Collection method: clinical testing. Allele origin: germline.
Comment: This sequence change replaces proline, which is neutral and non-polar, with leucine, which is neutral and non-polar, at codon 136 of the MYH7 protein (p.Pro136Leu). This variant is not present in population databases (gnomAD no frequency). This variant has not been reported in the literature in individuals affected with MYH7-related conditions. Invitae Evidence Modeling of protein sequence and biophysical properties (such as structural, functional, and spatial information, amino acid conservation, physicochemical variation, residue mobility, and thermodynamic stability) has been performed for this missense variant. However, the output from this modeling did not meet the statistical confidence thresholds required to predict the impact of this variant on MYH7 protein function. In summary, the available evidence is currently insufficient to determine the role of this variant in disease. Therefore, it has been classified as a Variant of Uncertain Significance.

NM_000257.4(MYH7):c.407C>T (p.Pro136Leu)

Gene: MYH7 (myosin heavy chain 7; minus strand). Cytogenetic location: 14q11.2.
Variant type: single nucleotide variant.
Coding change: c.407C>T on transcript NM_000257.4 (MANE Select); coding-DNA position 407, C replaced by T.
Protein change: p.Pro136Leu; replaces proline 136 with leucine.
Molecular consequence: missense variant.
Genome position (GRCh38, 1-based): chr14:23,432,734, G>A on the plus strand (C>T on the coding strand, the complement: MYH7 is on the minus strand). VCF-style: chr14-23432734-G-A. GRCh37 (hg19) VCF-style: chr14-23901943-G-A.
Other names: c.407C>T, p.Pro136Leu (NM_001407004.1); short protein forms P136L.
Identifiers: ClinVar variation 3636061 (VCV003636061.2).